The following is an entry in ClinVar:

ClinVar aggregate classification (germline): Uncertain significance (1 of 4 stars; one submission).

Conditions:
Myofibrillar myopathy 4. Also called: Zaspopathy (type). Identifiers: Orphanet 98912, MedGen C4721886, MONDO:0012277, OMIM 609452.

Submission:

Labcorp Genetics (formerly Invitae), Labcorp
Classification: Uncertain significance for Myofibrillar myopathy 4. Last evaluated: 2022-06-27. Review status: criteria provided, single submitter. Criteria: Invitae Variant Classification Sherloc (09022015). Collection method: clinical testing. Allele origin: germline.
Comment: This sequence change replaces asparagine, which is neutral and polar, with threonine, which is neutral and polar, at codon 260 of the LDB3 protein (p.Asn260Thr). This variant is not present in population databases (gnomAD no frequency). This variant has not been reported in the literature in individuals affected with LDB3-related conditions. Algorithms developed to predict the effect of missense changes on protein structure and function are either unavailable or do not agree on the potential impact of this missense change (SIFT: "Deleterious"; PolyPhen-2: "Benign"; Align-GVGD: "Class C0"). In summary, the available evidence is currently insufficient to determine the role of this variant in disease. Therefore, it has been classified as a Variant of Uncertain Significance.

NM_001368067.1(LDB3):c.779A>C (p.Asn260Thr)

Gene: LDB3 (LIM domain binding 3; plus strand). Cytogenetic location: 10q23.2.
Variant type: single nucleotide variant.
Coding change: c.779A>C on transcript NM_001368067.1 (MANE Plus Clinical); coding-DNA position 779, A replaced by C.
Protein change: p.Asn260Thr; replaces asparagine 260 with threonine.
Molecular consequence: missense variant. On other transcripts: intron variant (6).
Genome position (GRCh38, 1-based): chr10:86,699,301, A>C. VCF-style: chr10-86699301-A-C. GRCh37 (hg19) VCF-style: chr10-88459058-A-C.
Other names: c.920A>C, p.Asn307Thr (NM_001080115.2, NM_001368063.1); c.779A>C, p.Asn260Thr (NM_001080116.1, NM_001368068.1); c.1124A>C, p.Asn375Thr (NM_001171611.2); c.896+6730A>C (NM_001368064.1, NM_007078.3, NM_001368065.1); c.1100+6730A>C (NM_001171610.2); c.755+6730A>C (NM_001368066.1, NM_001080114.2); short protein forms N375T, N307T, N260T.
Identifiers: ClinVar variation 2011372 (VCV002011372.4), dbSNP rs1299041306, ClinGen allele CA377444983.
Genomic context (GRCh38, chr10:86,699,301, plus strand): 5'-CTCTCTCTCTCTCTCTCTCTCTCTCTCTGTGCCACAGGGAAAGGTTTGAAACGGAACGTA[A>C]CAGCCCACGTTTTGCCAAATTGCGCAACTGGCACCATGGCCTTTCAGCCCAAATCCTTAA-3'
Protein context (NP_001354996.1, residues 250-270): RSRERFETER[Asn260Thr]SPRFAKLRNW